The following is an entry in ClinVar:

NM_001267550.2(TTN):c.37722T>C (p.Val12574=)

Gene: TTN (titin; minus strand). Cytogenetic location: 2q31.2.
Variant type: single nucleotide variant.
Coding change: c.37722T>C on transcript NM_001267550.2 (MANE Select); coding-DNA position 37722, T replaced by C.
Protein change: p.Val12574=; no amino-acid change (valine 12574 retained).
Molecular consequence: synonymous variant. On other transcripts: intron variant (5).
Genome position (GRCh38, 1-based): chr2:178,658,147, A>G on the plus strand (T>C on the coding strand, the complement: TTN is on the minus strand). VCF-style: chr2-178658147-A-G. GRCh37 (hg19) VCF-style: chr2-179522874-A-G.
Other names: c.13283-15830T>C (NM_003319.4); c.13859-15830T>C (NM_133437.4); c.13658-15830T>C (NM_133432.3); c.31741+858T>C (NM_133378.4); c.34522+858T>C (NM_001256850.1).
Identifiers: ClinVar variation 238761 (VCV000238761.10), dbSNP rs377422414, ClinGen allele CA1997258.

ClinVar aggregate classification (germline): Benign/Likely benign. Review status: criteria provided, multiple submitters, no conflicts (2 of 4 stars). 8 submissions from 5 submitters: Benign (6); Likely benign (2). Last evaluated 2025-08-18.

Conditions:
Dilated cardiomyopathy 1G (CMD1G). Identifiers: Orphanet 154, MedGen C1858763, MONDO:0011400, OMIM 604145.
Autosomal recessive limb-girdle muscular dystrophy type 2J (LGMDR10). Also called: Limb-girdle muscular dystrophy, type 2J; MUSCULAR DYSTROPHY, LIMB-GIRDLE, AUTOSOMAL RECESSIVE 10. Identifiers: Orphanet 140922, MedGen C1837342, MONDO:0012127, OMIM 608807.
Myopathy, myofibrillar, 9, with early respiratory failure (MFM9). Also called: Hereditary myopathy with early respiratory failure; EDSTROM MYOPATHY; MYOPATHY, PROXIMAL, WITH EARLY RESPIRATORY MUSCLE INVOLVEMENT; Myopathy, distal, with early respiratory failure, autosomal dominant. Identifiers: Orphanet 178464, Orphanet 34521, MedGen C1863599, MONDO:0011362, OMIM 603689.
Early-onset myopathy with fatal cardiomyopathy (CMYO5). Also called: Salih Myopathy; CONGENITAL MYOPATHY 5 WITH CARDIOMYOPATHY. Identifiers: Orphanet 289377, MedGen C2673677, MONDO:0012714, OMIM 611705. Disease mechanism: loss of function.
Tibial muscular dystrophy (TMD). Also called: UDD MYOPATHY; Udd Distal Myopathy – Tibial Muscular Dystrophy; Tibial muscular dystrophy, tardive. Identifiers: Orphanet 609, MedGen C1838244, MONDO:0010870, OMIM 600334.

Allele frequency attached by ClinVar (database versions not stated): gnomAD 0.00701 and 0.00745; 1000 Genomes Project 30x 0.01109; ESP Exome Variant Server 0.01174; 1000 Genomes Project 0.01218; gnomAD exomes 0.00083 and 0.00257; ExAC 0.00300.
gnomAD v4.1: 2,227 of 1,575,242 alleles (0.14%); highest among the groups gnomAD compares: African/African-American, 2.8%; 153 homozygotes.

Submissions (8):

Labcorp Genetics (formerly Invitae), Labcorp
Classification: Benign for Dilated cardiomyopathy 1G; Autosomal recessive limb-girdle muscular dystrophy type 2J. Last evaluated: 2025-08-18. Review status: criteria provided, single submitter. Criteria: Invitae Variant Classification Sherloc (09022015). Collection method: clinical testing. Allele origin: germline.

Athena Diagnostics
Classification: Benign. Last evaluated: 2024-05-20. Review status: criteria provided, single submitter. Criteria: Athena Diagnostics Criteria. Collection method: clinical testing. Allele origin: unknown.

Genome-Nilou Lab
Classification: Benign for Autosomal recessive limb-girdle muscular dystrophy type 2J. Last evaluated: 2021-09-10. Review status: criteria provided, single submitter. Criteria: ACMG Guidelines, 2015. Collection method: clinical testing. Allele origin: germline. Affected: no.

Genome-Nilou Lab
Classification: Benign for Myopathy, myofibrillar, 9, with early respiratory failure. Last evaluated: 2021-09-10. Review status: criteria provided, single submitter. Criteria: ACMG Guidelines, 2015. Collection method: clinical testing. Allele origin: germline. Affected: no.

Genome-Nilou Lab
Classification: Benign for Early-onset myopathy with fatal cardiomyopathy. Last evaluated: 2021-09-10. Review status: criteria provided, single submitter. Criteria: ACMG Guidelines, 2015. Collection method: clinical testing. Allele origin: germline. Affected: no.

Genome-Nilou Lab
Classification: Benign for Tibial muscular dystrophy. Last evaluated: 2021-09-10. Review status: criteria provided, single submitter. Criteria: ACMG Guidelines, 2015. Collection method: clinical testing. Allele origin: germline. Affected: no.

GeneDx
Classification: Likely benign. Last evaluated: 2018-06-14. Review status: criteria provided, single submitter. Criteria: GeneDx Variant Classification (06012015). Collection method: clinical testing. Allele origin: germline. Affected: yes.
Comment: This variant is considered likely benign or benign based on one or more of the following criteria: it is a conservative change, it occurs at a poorly conserved position in the protein, it is predicted to be benign by multiple in silico algorithms, and/or has population frequency not consistent with disease.

Breakthrough Genomics
Classification: Likely benign. Review status: criteria provided, single submitter. Criteria: ACMG Guidelines, 2015. Collection method: not provided. Allele origin: germline. Inheritance: Autosomal recessive inheritance. Affected: yes.